The following is an entry in ClinVar:

NM_033056.4(PCDH15):c.5516_5517del (p.Glu1839fs)

Gene: PCDH15 (protocadherin related 15; minus strand). Cytogenetic location: 10q21.1.
Variant type: Microsatellite.
Coding change: c.5516_5517del on transcript NM_033056.4 (MANE Plus Clinical); coding-DNA positions 5516 to 5517, 2 bases deleted (AG; older notation c.5516_5517delAG).
Protein change: p.Glu1839fs; shifts the reading frame from glutamic acid 1839.
Molecular consequence: frameshift variant. On other transcripts: intron variant (8).
Genome position (GRCh38, 1-based): chr10:53,822,209-53,822,210, CT deleted on the plus strand (AG on the coding strand, the reverse complement: PCDH15 is on the minus strand); deleting any 2 consecutive bases within chr10:53,822,209-53,822,212 gives the same sequence; the c. name uses the placement nearest the transcript's 3' end. VCF-style (leftmost placement, unchanged base first): chr10-53822208-ACT-A. GRCh37 (hg19) VCF-style: chr10-55581968-ACT-A.
Other names: c.5447_5448del, p.Glu1816fs (NM_001142773.2); c.5450_5451del, p.Glu1817fs (NM_001354404.2); c.4367+5183_4367+5184del (NM_001354420.2); c.4368-4197_4368-4196del (NM_001354429.2); c.4368-1980_4368-1979del (NM_001384140.1); c.4373+2926_4373+2927del (NM_001142772.2, NM_001142770.3); c.4388+2926_4388+2927del (NM_001142771.2); c.4388+5183_4388+5184del (NM_001354411.2); and 7 more; short protein forms E1770fs, E1799fs, E1816fs, E1817fs, E1819fs, E1836fs, E1839fs, E1841fs.
Identifiers: ClinVar variation 1586011 (VCV001586011.10), dbSNP rs1564531908, ClinGen allele CA593783006.

ClinVar aggregate classification (germline): Conflicting classifications of pathogenicity. Review status: criteria provided, conflicting classifications (1 of 4 stars). 3 submissions from 3 submitters: Uncertain significance (1); Likely benign (1). 1 of the submissions does not count toward it. Last evaluated 2024-04-17.

Conditions:
PCDH15-related disorder. Also called: PCDH15-related condition; PCDH15-related disorders.

Submissions (3):

Labcorp Genetics (formerly Invitae), Labcorp
Classification: Likely benign. Last evaluated: 2024-04-17. Review status: criteria provided, single submitter. Criteria: Invitae Variant Classification Sherloc (09022015). Collection method: clinical testing. Allele origin: germline.

Blueprint Genetics
Classification: Uncertain significance. Last evaluated: 2018-03-09. Review status: criteria provided, single submitter. Criteria: ACMG Guidelines, 2015. Collection method: clinical testing. Allele origin: germline.

PreventionGenetics, part of Exact Sciences
Classification: Uncertain significance for PCDH15-related condition. Last evaluated: 2024-08-29. Review status: no assertion criteria provided. Collection method: clinical testing. Allele origin: germline. Not counted in ClinVar's aggregate classification.
Comment: The PCDH15 c.5516_5517delAG variant is predicted to result in a frameshift and premature protein termination (p.Glu1839Valfs*8). To our knowledge, this variant has not been reported in the literature. This variant is reported in 0.0029% of alleles in individuals of Latino descent in gnomAD. This variant occurs in the last exon of the PCDH15 alternatively spliced transcript known as CD1 (NM_033056), but this exon is not required for proper inner ear hair cell function and maintenance of hearing and is not included in the biologically relevant transcript for hearing loss known as CD2 (NM_001142769; Webb et al. 2011. PubMed ID: 21427143; Pepermans et al. 2014. PubMed ID: 24940003). Furthermore, loss of function variants in this exon of CD1 have been shown to occur at population frequencies inconsistent with pathogenicity (Perreault-Micale et al. 2014. PubMed ID: 25307757). This variant is interpreted as suspected benign.